The following is an entry in ClinVar:

NM_016180.5(SLC45A2):c.1131C>T (p.Asn377=)

Gene: SLC45A2 (solute carrier family 45 member 2; minus strand). Cytogenetic location: 5p13.2.
Variant type: single nucleotide variant.
Coding change: c.1131C>T on transcript NM_016180.5 (MANE Select); coding-DNA position 1131, C replaced by T.
Protein change: p.Asn377=; no amino-acid change (asparagine 377 retained).
Molecular consequence: synonymous variant. On other transcripts: 3 prime UTR variant (1).
Genome position (GRCh38, 1-based): chr5:33,951,579, G>A on the plus strand (C>T on the coding strand, the complement: SLC45A2 is on the minus strand). VCF-style: chr5-33951579-G-A. GRCh37 (hg19) VCF-style: chr5-33951684-G-A.
Other names: c.1131C>T, p.Asn377= (NM_001012509.4); c.*73C>T (NM_001297417.4).
Identifiers: ClinVar variation 3030706 (VCV003030706.2), dbSNP rs1752097861, ClinGen allele CA443659171.
Genomic context (GRCh38, chr5:33,951,579, plus strand): 5'-TTTAGAAGACATCCTTAGGAGAGAGAAAGACTTACAAGAATAAAGTGAGGAAAACACGGA[G>A]TTGATGCACAAGCCCCAACATCCAACCTCGACTCCTCTTTCGTAGATGAGAAACTCTGTG-3'
Protein context (NP_057264.4, residues 367-387): VEVGCWGLCI[Asn377=]SVFSSLYSYF

ClinVar aggregate classification (germline): Likely benign (0 of 4 stars; one submission).

Conditions:
SLC45A2-related disorder. Also called: SLC45A2-related condition.

Allele frequency attached by ClinVar (database versions not stated): gnomAD 0.00001.
gnomAD v4.1: 2 of 1,614,028 alleles (0.00012%); highest among the groups gnomAD compares: South Asian, 0.0011%; no homozygotes.

Submission:

PreventionGenetics, part of Exact Sciences
Classification: Likely benign for SLC45A2-related condition. Last evaluated: 2022-03-02. Review status: no assertion criteria provided. Collection method: clinical testing. Allele origin: germline.
Comment: This variant is classified as likely benign based on ACMG/AMP sequence variant interpretation guidelines (Richards et al. 2015 PMID: 25741868, with internal and published modifications).